The following is an entry in ClinVar:

ClinVar aggregate classification (germline): Benign. Review status: criteria provided, multiple submitters, no conflicts (2 of 4 stars). 3 submissions from 3 submitters: Benign (2). 1 of the submissions does not count toward it. Last evaluated 2019-12-31.

Conditions:
MCTP2-related disorder. Also called: MCTP2-related condition.

Allele frequency attached by ClinVar (database versions not stated): 1000 Genomes Project 30x 0.00406; gnomAD 0.00533 and 0.00575; gnomAD exomes 0.00054 and 0.00127; ExAC 0.00158; 1000 Genomes Project 0.00399; ESP Exome Variant Server 0.00570; TOPMed 0.00600.
gnomAD v4.1: 1,624 of 1,614,148 alleles (0.1%); highest among the groups gnomAD compares: African/African-American, 1.9%; 22 homozygotes.

Submissions (3):

Labcorp Genetics (formerly Invitae), Labcorp
Classification: Benign. Last evaluated: 2019-12-31. Review status: criteria provided, single submitter. Criteria: Invitae Variant Classification Sherloc (09022015). Collection method: clinical testing. Allele origin: germline.

Breakthrough Genomics
Classification: Benign. Review status: criteria provided, single submitter. Criteria: ACMG Guidelines, 2015. Collection method: not provided. Allele origin: germline. Inheritance: Unknown mechanism. Affected: yes.

PreventionGenetics, part of Exact Sciences
Classification: Benign for MCTP2-related condition. Last evaluated: 2019-02-21. Review status: no assertion criteria provided. Collection method: clinical testing. Allele origin: germline. Not counted in ClinVar's aggregate classification.
Comment: This variant is classified as benign based on ACMG/AMP sequence variant interpretation guidelines (Richards et al. 2015 PMID: 25741868, with internal and published modifications).

NM_001385001.1(MCTP2):c.178G>A (p.Ala60Thr)

Gene: MCTP2 (multiple C2 and transmembrane domain containing 2; plus strand). Cytogenetic location: 15q26.2.
Variant type: single nucleotide variant.
Coding change: c.178G>A on transcript NM_001385001.1 (MANE Select); coding-DNA position 178, G replaced by A.
Protein change: p.Ala60Thr; replaces alanine 60 with threonine.
Molecular consequence: missense variant. On other transcripts: 5 prime UTR variant (2), non-coding transcript variant (7), intron variant (2).
Genome position (GRCh38, 1-based): chr15:94,298,443, G>A. VCF-style: chr15-94298443-G-A. GRCh37 (hg19) VCF-style: chr15-94841672-G-A.
Other names: c.178G>A, p.Ala60Thr (NM_001159643.2, NM_001385002.1, NM_001385003.1 and 5 more transcripts); c.-163G>A (NM_001385007.1, NM_001385011.1); c.-33-15839G>A (NM_001385009.1, NM_001385010.1); short protein forms A60T.
Identifiers: ClinVar variation 716017 (VCV000716017.7), dbSNP rs143256791, ClinGen allele CA7749417.